The following is an entry in ClinVar:

NM_002439.5(MSH3):c.1259_1284delinsAG (p.Ser420_Leu428delinsLys)

Gene: MSH3 (mutS homolog 3; plus strand). Cytogenetic location: 5q14.1.
Variant type: Indel.
Coding change: c.1259_1284delinsAG on transcript NM_002439.5 (MANE Select); coding-DNA positions 1259 to 1284, GCCTGCAGCCAGTAGAGCTGCTGCTT replaced by AG.
Protein change: p.Ser420_Leu428delinsLys.
Molecular consequence: inframe indel.
Genome position (GRCh38, 1-based): chr5:80,679,012-80,679,037, GCCTGCAGCCAGTAGAGCTGCTGCTT replaced by AG. VCF-style: chr5-80679012-GCCTGCAGCCAGTAGAGCTGCTGCTT-AG. GRCh37 (hg19) VCF-style: chr5-79974831-GCCTGCAGCCAGTAGAGCTGCTGCTT-AG.
Identifiers: ClinVar variation 658177 (VCV000658177.5), dbSNP rs1580556499, ClinGen allele CA915943372.

ClinVar aggregate classification (germline): Uncertain significance (1 of 4 stars; one submission).

Submission:

Labcorp Genetics (formerly Invitae), Labcorp
Classification: Uncertain significance. Last evaluated: 2018-11-08. Review status: criteria provided, single submitter. Criteria: Invitae Variant Classification Sherloc (09022015). Collection method: clinical testing. Allele origin: germline.
Comment: In summary, the available evidence is currently insufficient to determine the role of this variant in disease. Therefore, it has been classified as a Variant of Uncertain Significance. Experimental studies and prediction algorithms are not available for this variant, and the functional significance of the affected amino acid(s) is currently unknown. This variant has not been reported in the literature in individuals with MSH3-related disease. This variant is not present in population databases (ExAC no frequency). This variant, c.1259_1284delinsAG, results in the deletion of 9 amino acids of the MSH3 protein (p.Ser420_Leu428delinsLys), but otherwise preserves the integrity of the reading frame.